The following is an entry in ClinVar:

ClinVar aggregate classification (germline): Conflicting classifications of pathogenicity. Review status: criteria provided, conflicting classifications (1 of 4 stars). 6 submissions from 6 submitters: Uncertain significance (3); Benign (1); Likely benign (2). Last evaluated 2025-10-25.

Conditions:
ANK2-related disorder. Also called: ANK2-related condition.
Cardiac arrhythmia, ankyrin-B-related. Also called: ANKYRIN-B SYNDROME. Identifiers: Orphanet 101016, Orphanet 768, MedGen C1970119, MONDO:0010958, OMIM 600919.
Cardiovascular phenotype. Identifiers: MedGen CN230736.
Long QT syndrome (LQTS). Identifiers: MedGen C0023976, MeSH D008133, MONDO:0002442. Disease mechanism: loss of function. Inheritance: Various modes of inheritance.

Allele frequency attached by ClinVar (database versions not stated): TOPMed 0.00002; 1000 Genomes Project 30x 0.00031; 1000 Genomes Project 0.00040.
gnomAD v4.1: 154 of 1,613,902 alleles (0.0095%); highest among the groups gnomAD compares: Middle Eastern, 0.082%; no homozygotes.

Submissions (6):

Labcorp Genetics (formerly Invitae), Labcorp
Classification: Likely benign for Long QT syndrome. Last evaluated: 2025-10-25. Review status: criteria provided, single submitter. Criteria: Invitae Variant Classification Sherloc (09022015). Collection method: clinical testing. Allele origin: germline.

GeneDx
Classification: Uncertain significance. Last evaluated: 2025-02-25. Review status: criteria provided, single submitter. Criteria: GeneDx Variant Classification Process June 2021. Collection method: clinical testing. Allele origin: germline. Affected: yes.
Comment: Identified in association with LQTS and primary electrical disease (PED) in published literature (PMID: 23631430, 28341588); In silico analysis supports that this missense variant has a deleterious effect on protein structure/function; This variant is associated with the following publications: (PMID: 28988457, 34426522, 23631430, 28341588)

PreventionGenetics, part of Exact Sciences
Classification: Uncertain significance for ANK2-related condition. Last evaluated: 2023-09-14. Review status: criteria provided, single submitter. Criteria: ACMG Guidelines, 2015. Collection method: clinical testing. Allele origin: germline.
Comment: The ANK2 c.10976G>T variant is predicted to result in the amino acid substitution p.Arg3659Leu. This variant was reported in an individual with a Long QT syndrome phenotype, however the individual was also positive for a different variant in SCN5A (Table 2, Lieve et al 2013. PubMed ID: 23631430). A different study investigating variants associated with primary electrical disease classified this variant as likely benign (Table 3, Proost et al. 2017. PubMed ID: 28341588). This variant is reported in 0.098% of alleles in individuals of South Asian descent in gnomAD. In ClinVar, this variant has conflicting interpretations regarding its pathogenicity; ranging from benign to uncertain. At this time, the clinical significance of this variant is uncertain due to the absence of conclusive functional and genetic evidence.

Women's Health and Genetics/Laboratory Corporation of America, LabCorp
Classification: Benign. Last evaluated: 2021-01-28. Review status: criteria provided, single submitter. Criteria: LabCorp Variant Classification Summary - May 2015. Collection method: clinical testing. Allele origin: germline.
Comment: Variant summary: ANK2 c.10976G>T (p.Arg3659Leu) results in a non-conservative amino acid change in the encoded protein sequence. Four of five in-silico tools predict a benign effect of the variant on protein function. The variant allele was found at a frequency of 0.00019 in 251170 control chromosomes, predominantly at a frequency of 0.00098 within the South Asian subpopulation in the gnomAD database. The observed variant frequency within South Asian control individuals in the gnomAD database is approximately 147-fold the estimated maximal expected allele frequency for a pathogenic variant in ANK2 causing Long QT Syndrome phenotype (6.7e-06), strongly suggesting that the variant is a benign polymorphism found primarily in populations of South Asian origin. c.10976G>T has been reported in the literature in individuals affected with Long QT Syndrome (e.g. Lieve_2013, Proost_2017). These reports do not provide unequivocal conclusions about association of the variant with Long QT Syndrome. Co-occurrence with another pathogenic variant has been reported (SCN5A c.3995C>T, p.Pro1332Leu; Lieve_2013), providing supporting evidence for a benign role. To our knowledge, no experimental evidence demonstrating an impact on protein function has been reported. Two clinical diagnostic laboratories have submitted clinical-significance assessments for this variant to ClinVar after 2014 without evidence for independent evaluation. One laboratory cited the variant as likely benign, and one laboratory cited the variant as uncertain significance. Based on the evidence outlined above, the variant was classified as benign.

Department of Pathology and Laboratory Medicine, Sinai Health System
Classification: Uncertain significance for Cardiac arrhythmia, ankyrin-B-related. Last evaluated: 2021-01-27. Review status: criteria provided, single submitter. Criteria: ACMG Guidelines, 2015. Collection method: research. Allele origin: germline.

Ambry Genetics
Classification: Likely benign for Cardiovascular phenotype. Last evaluated: 2019-06-10. Review status: criteria provided, single submitter. Criteria: Ambry Variant Classification Scheme 2023. Collection method: clinical testing. Allele origin: germline.

Literature cited by the submitters: PubMed 23631430 (cited by Women's Health and Genetics/Laboratory Corporation of America, LabCorp and Ambry Genetics); PubMed 28341588 (cited by Women's Health and Genetics/Laboratory Corporation of America, LabCorp and Ambry Genetics); PubMed 28988457 (cited by Women's Health and Genetics/Laboratory Corporation of America, LabCorp and Ambry Genetics).

NM_001148.6(ANK2):c.10976G>T (p.Arg3659Leu)

Gene: ANK2 (ankyrin 2; plus strand). Cytogenetic location: 4q26.
Variant type: single nucleotide variant.
Coding change: c.10976G>T on transcript NM_001148.6 (MANE Select); coding-DNA position 10976, G replaced by T.
Protein change: p.Arg3659Leu; replaces arginine 3659 with leucine.
Molecular consequence: missense variant.
Genome position (GRCh38, 1-based): chr4:113,365,126, G>T. VCF-style: chr4-113365126-G-T. GRCh37 (hg19) VCF-style: chr4-114286282-G-T.
Other names: c.4694G>T, p.Arg1565Leu (NM_001127493.3); c.4733G>T, p.Arg1578Leu (NM_001354225.2); c.4622G>T, p.Arg1541Leu (NM_001354228.2, NM_001354258.2); c.4700G>T, p.Arg1567Leu (NM_001354230.2); c.4763G>T, p.Arg1588Leu (NM_001354231.2, NM_001354242.2); c.4757G>T, p.Arg1586Leu (NM_001354232.2); c.4718G>T, p.Arg1573Leu (NM_001354235.2, NM_001354246.2, NM_001354265.2); c.4619G>T, p.Arg1540Leu (NM_001354236.2); and 35 more; short protein forms R1565L, R3659L, R1446L, R1479L, R1503L, R1508L, R1520L, R1557L.
Identifiers: ClinVar variation 377479 (VCV000377479.20), dbSNP rs556640912, ClinGen allele CA3052173.